The following is an entry in ClinVar:

NM_001042492.3(NF1):c.1909A>C (p.Ser637Arg)

Gene: NF1 (neurofibromin 1; plus strand). Cytogenetic location: 17q11.2.
Variant type: single nucleotide variant.
Coding change: c.1909A>C on transcript NM_001042492.3 (MANE Select); coding-DNA position 1909, A replaced by C.
Protein change: p.Ser637Arg; replaces serine 637 with arginine.
Molecular consequence: missense variant.
Genome position (GRCh38, 1-based): chr17:31,225,158, A>C. VCF-style: chr17-31225158-A-C. GRCh37 (hg19) VCF-style: chr17-29552176-A-C.
Other names: c.1909A>C, p.Ser637Arg (NM_000267.4); short protein forms S637R.
Identifiers: ClinVar variation 3619387 (VCV003619387.2).

ClinVar aggregate classification (germline): Uncertain significance (1 of 4 stars; one submission).

Conditions:
Neurofibromatosis, type 1 (NF1). Also called: Peripheral type neurofibromatosis; NEUROFIBROMATOSIS, TYPE I, SOMATIC; VON RECKLINGHAUSEN DISEASE; Neurofibromatosis, type I. Identifiers: Orphanet 636, MedGen C0027831, MONDO:0018975, OMIM 162200. Disease mechanism: loss of function.

Submission:

Labcorp Genetics (formerly Invitae), Labcorp
Classification: Uncertain significance for Neurofibromatosis, type 1. Last evaluated: 2024-05-28. Review status: criteria provided, single submitter. Criteria: Invitae Variant Classification Sherloc (09022015). Collection method: clinical testing. Allele origin: germline.
Comment: This sequence change replaces serine, which is neutral and polar, with arginine, which is basic and polar, at codon 637 of the NF1 protein (p.Ser637Arg). This variant is not present in population databases (gnomAD no frequency). This variant has not been reported in the literature in individuals affected with NF1-related conditions. Advanced modeling of protein sequence and biophysical properties (such as structural, functional, and spatial information, amino acid conservation, physicochemical variation, residue mobility, and thermodynamic stability) performed at Invitae indicates that this missense variant is not expected to disrupt NF1 protein function with a negative predictive value of 95%. In summary, the available evidence is currently insufficient to determine the role of this variant in disease. Therefore, it has been classified as a Variant of Uncertain Significance.